The following is an entry in ClinVar:

NM_001378969.1(KCND3):c.864G>A (p.Thr288=)

Gene: KCND3 (potassium voltage-gated channel subfamily D member 3; minus strand). Cytogenetic location: 1p13.2.
Variant type: single nucleotide variant.
Coding change: c.864G>A on transcript NM_001378969.1 (MANE Select); coding-DNA position 864, G replaced by A.
Protein change: p.Thr288=; no amino-acid change (threonine 288 retained).
Molecular consequence: synonymous variant.
Genome position (GRCh38, 1-based): chr1:111,981,863, C>T on the plus strand (G>A on the coding strand, the complement: KCND3 is on the minus strand). VCF-style: chr1-111981863-C-T. GRCh37 (hg19) VCF-style: chr1-112524485-C-T.
Other names: c.864G>A, p.Thr288= (NM_001378970.1, NM_004980.5, NM_172198.3).
Identifiers: ClinVar variation 1764177 (VCV001764177.3), dbSNP rs769635941, ClinGen allele CA1007541.

ClinVar aggregate classification (germline): Likely benign. Review status: criteria provided, multiple submitters, no conflicts (2 of 4 stars). 2 submissions from 2 submitters: Likely benign (2). Last evaluated 2026-08-01.

Conditions:
Cardiovascular phenotype. Identifiers: MedGen CN230736.

Allele frequency attached by ClinVar (database versions not stated): ExAC 0.00001.
gnomAD v4.1: 8 of 1,613,956 alleles (0.0005%); highest among the groups gnomAD compares: South Asian, 0.0055%; no homozygotes.

Submissions (2):

CeGaT Center for Human Genetics Tuebingen
Classification: Likely benign. Last evaluated: 2026-08-01. Review status: criteria provided, single submitter. Criteria: CeGaT Center For Human Genetics Tuebingen Variant Classification Criteria Version 2. Collection method: clinical testing. Allele origin: germline. Affected: yes. Observed: 1 variant allele.
Comment: KCND3: BP4, BP7

Ambry Genetics
Classification: Likely benign for Cardiovascular phenotype. Last evaluated: 2020-08-02. Review status: criteria provided, single submitter. Criteria: Ambry Variant Classification Scheme 2023. Collection method: clinical testing. Allele origin: germline.